The following is an entry in ClinVar:

ClinVar aggregate classification (germline): Pathogenic (1 of 4 stars; one submission).

Conditions:
Joubert syndrome 22 (JBTS22). Identifiers: Orphanet 2754, MedGen C3810278, MONDO:0014297, OMIM 615665.

Allele frequency attached by ClinVar (database versions not stated): ExAC 0.00001; gnomAD exomes 0.00001.

Submission:

Labcorp Genetics (formerly Invitae), Labcorp
Classification: Pathogenic for Joubert syndrome 22. Last evaluated: 2024-10-29. Review status: criteria provided, single submitter. Criteria: Invitae Variant Classification Sherloc (09022015). Collection method: clinical testing. Allele origin: germline.
Comment: This sequence change creates a premature translational stop signal (p.Ser39Leufs*49) in the PDE6D gene. It is expected to result in an absent or disrupted protein product. Loss-of-function variants in PDE6D are known to be pathogenic (PMID: 17496142, 24166846). This variant is present in population databases (rs772392692, gnomAD 0.003%). This variant has not been reported in the literature in individuals affected with PDE6D-related conditions. ClinVar contains an entry for this variant (Variation ID: 1382726). For these reasons, this variant has been classified as Pathogenic.

Literature cited by the submitters: PubMed 17496142; PubMed 24166846.

NM_002601.4(PDE6D):c.114del (p.Ser39fs)

Gene: PDE6D (phosphodiesterase 6D; minus strand). Cytogenetic location: 2q37.1.
Variant type: Deletion.
Coding change: c.114del on transcript NM_002601.4 (MANE Select); coding-DNA position 114, one base deleted (G; older notation c.114delG).
Protein change: p.Ser39fs; shifts the reading frame from serine 39.
Molecular consequence: frameshift variant.
Genome position (GRCh38, 1-based): chr2:231,739,125, C deleted on the plus strand (G on the coding strand, the reverse complement: PDE6D is on the minus strand). VCF-style (leftmost placement, unchanged base first): chr2-231739124-AC-A. GRCh37 (hg19) VCF-style: chr2-232603834-AC-A.
Other names: c.114del, p.Ser39fs (NM_001291018.2); short protein forms S39fs.
Identifiers: ClinVar variation 1382726 (VCV001382726.6), dbSNP rs772392692, ClinGen allele CA2163256.